The following is an entry in ClinVar:

ClinVar aggregate classification (germline): Uncertain significance (1 of 4 stars; one submission).

Submission:

Labcorp Genetics (formerly Invitae), Labcorp
Classification: Uncertain significance. Last evaluated: 2023-08-27. Review status: criteria provided, single submitter. Criteria: Invitae Variant Classification Sherloc (09022015). Collection method: clinical testing. Allele origin: germline.
Comment: In summary, the available evidence is currently insufficient to determine the role of this variant in disease. Therefore, it has been classified as a Variant of Uncertain Significance. Advanced modeling of protein sequence and biophysical properties (such as structural, functional, and spatial information, amino acid conservation, physicochemical variation, residue mobility, and thermodynamic stability) performed at Invitae indicates that this missense variant is not expected to disrupt RECQL protein function. This variant has not been reported in the literature in individuals affected with RECQL-related conditions. This variant is not present in population databases (gnomAD no frequency). This sequence change replaces cysteine, which is neutral and slightly polar, with phenylalanine, which is neutral and non-polar, at codon 138 of the RECQL protein (p.Cys138Phe).

NM_002907.4(RECQL):c.413G>T (p.Cys138Phe)

Gene: RECQL (RecQ like helicase; minus strand). Cytogenetic location: 12p12.1.
Variant type: single nucleotide variant.
Coding change: c.413G>T on transcript NM_002907.4 (MANE Select); coding-DNA position 413, G replaced by T.
Protein change: p.Cys138Phe; replaces cysteine 138 with phenylalanine.
Molecular consequence: missense variant.
Genome position (GRCh38, 1-based): chr12:21,486,567, C>A on the plus strand (G>T on the coding strand, the complement: RECQL is on the minus strand). VCF-style: chr12-21486567-C-A. GRCh37 (hg19) VCF-style: chr12-21639501-C-A.
Other names: c.413G>T, p.Cys138Phe (NM_032941.3); short protein forms C138F.
Identifiers: ClinVar variation 2755694 (VCV002755694.3), dbSNP rs201946610, ClinGen allele CA384130345.